The following is an entry in ClinVar:

NM_030632.3(ASXL3):c.1147A>T (p.Ser383Cys)

Gene: ASXL3 (ASXL transcriptional regulator 3; plus strand). Cytogenetic location: 18q12.1.
Variant type: single nucleotide variant.
Coding change: c.1147A>T on transcript NM_030632.3 (MANE Select); coding-DNA position 1147, A replaced by T.
Protein change: p.Ser383Cys; replaces serine 383 with cysteine.
Molecular consequence: missense variant.
Genome position (GRCh38, 1-based): chr18:33,738,551, A>T. VCF-style: chr18-33738551-A-T. GRCh37 (hg19) VCF-style: chr18-31318515-A-T.
Other names: short protein forms S383C.
Identifiers: ClinVar variation 4538756 (VCV004538756.1).

ClinVar aggregate classification (germline): Uncertain significance (1 of 4 stars; one submission).

Submission:

GeneDx
Classification: Uncertain significance. Last evaluated: 2025-06-18. Review status: criteria provided, single submitter. Criteria: GeneDx Variant Classification Process June 2021. Collection method: clinical testing. Allele origin: germline. Affected: yes.
Comment: Not observed at significant frequency in large population cohorts (gnomAD); In silico analysis suggests that this missense variant does not alter protein structure/function; Has not been previously published as pathogenic or benign to our knowledge